The following is an entry in ClinVar:

NM_001110556.2(FLNA):c.2147G>A (p.Gly716Asp)

Gene: FLNA (filamin A; minus strand). Cytogenetic location: Xq28.
Variant type: single nucleotide variant.
Coding change: c.2147G>A on transcript NM_001110556.2 (MANE Select); coding-DNA position 2147, G replaced by A.
Protein change: p.Gly716Asp; replaces glycine 716 with aspartic acid.
Molecular consequence: missense variant.
Genome position (GRCh38, 1-based): chrX:154,364,155, C>T on the plus strand (G>A on the coding strand, the complement: FLNA is on the minus strand). VCF-style: chrX-154364155-C-T. GRCh37 (hg19) VCF-style: chrX-153592523-C-T.
Other names: c.2147G>A, p.Gly716Asp (NM_001456.4); short protein forms G716D.
Identifiers: ClinVar variation 592060 (VCV000592060.4), dbSNP rs782697176, ClinGen allele CA10560999.

ClinVar aggregate classification (germline): Conflicting classifications of pathogenicity. Review status: criteria provided, conflicting classifications (1 of 4 stars). 3 submissions from 3 submitters: Uncertain significance (1); Benign (1). 1 of the submissions does not count toward it. Last evaluated 2025-12-29.

Conditions:
Heterotopia, periventricular, X-linked dominant (PVNH1). Also called: PERIVENTRICULAR NODULAR HETEROTOPIA 4; HETEROTOPIA, PERIVENTRICULAR, 1; PERIVENTRICULAR NODULAR HETEROTOPIA 1; X-linked periventricular heterotopia. Identifiers: Orphanet 2149, Orphanet 82004, MedGen C1848213, MONDO:0010233, OMIM 300049.
Melnick-Needles syndrome (MNS). Also called: Melnick-Needles Syndrome (FLNA-MNS); MELNICK-NEEDLES OSTEODYSPLASTY; OSTEODYSPLASTY OF MELNICK AND NEEDLES. Identifiers: Orphanet 2484, MedGen C0025237, MONDO:0010650, OMIM 309350.
Frontometaphyseal dysplasia (FMD1). Identifiers: Orphanet 1826, MedGen C0265293, MONDO:0015942.
Oto-palato-digital syndrome, type II (OPD2). Also called: Otopalatodigital Syndrome Type 2 (FLNA-OPD2); Otopalatodigital Syndrome, Type II; FACIOPALATOOSSEOUS SYNDROME; OPD II SYNDROME. Identifiers: Orphanet 669, Orphanet 90652, MedGen C1844696, MONDO:0010571, OMIM 304120.

Allele frequency attached by ClinVar (database versions not stated): TOPMed below 0.00001; gnomAD 0.00001; gnomAD exomes 0.00002; ExAC 0.00003.

Submissions (3):

Women's Health and Genetics/Laboratory Corporation of America, LabCorp
Classification: Uncertain significance. Last evaluated: 2025-12-29. Review status: criteria provided, single submitter. Criteria: LabCorp Variant Classification Summary - May 2015. Collection method: clinical testing. Allele origin: germline.
Comment: Variant summary: FLNA c.2147G>A (p.Gly716Asp) results in a non-conservative amino acid change in the encoded protein sequence. Algorithms developed to predict the effect of missense changes on protein structure and function all suggest that this variant is likely to be disruptive. The variant allele was found at a frequency of 5e-06 in 1209461 control chromosomes. The available data on variant occurrences in the general population are insufficient to allow any conclusion about variant significance. To our knowledge, no occurrence of c.2147G>A in individuals affected with FLNA-related conditions and no experimental evidence demonstrating its impact on protein function have been reported. ClinVar contains an entry for this variant (Variation ID: 592060). Based on the evidence outlined above, the variant was classified as uncertain significance.

Labcorp Genetics (formerly Invitae), Labcorp
Classification: Benign for Oto-palato-digital syndrome, type II; Heterotopia, periventricular, X-linked dominant; Frontometaphyseal dysplasia; Melnick-Needles syndrome. Last evaluated: 2025-01-05. Review status: criteria provided, single submitter. Criteria: Invitae Variant Classification Sherloc (09022015). Collection method: clinical testing. Allele origin: germline.

Gharavi Laboratory, Columbia University
Classification: Uncertain significance. Last evaluated: 2018-09-16. Review status: no assertion criteria provided. Criteria: ACMG Guidelines, 2015. Collection method: research. Allele origin: germline. Affected: yes. Not counted in ClinVar's aggregate classification.